The following is an entry in ClinVar:

ClinVar aggregate classification (germline): Uncertain significance (1 of 4 stars; one submission).

Conditions:
Evans syndrome, immunodeficiency, and premature immunosenescence associated with tripeptidyl-peptidase II deficiency. Identifiers: MedGen CN231723. Disease mechanism: loss of function.

gnomAD v4.1: 1 of 1,612,378 alleles (0.000062%); highest among the groups gnomAD compares: Non-Finnish European, 0.000085%; no homozygotes.

Submission:

Labcorp Genetics (formerly Invitae), Labcorp
Classification: Uncertain significance for Evans syndrome, immunodeficiency, and premature immunosenescence associated with tripeptidyl-peptidase II deficiency. Last evaluated: 2025-12-31. Review status: criteria provided, single submitter. Criteria: Invitae Variant Classification Sherloc (09022015). Collection method: clinical testing. Allele origin: germline.
Comment: This sequence change replaces histidine, which is basic and polar, with arginine, which is basic and polar, at codon 499 of the TPP2 protein (p.His499Arg). This variant is not present in population databases (gnomAD no frequency). This variant has not been reported in the literature in individuals affected with TPP2-related conditions. An algorithm developed to predict the effect of missense changes on protein structure and function (PolyPhen-2) suggests that this variant is likely to be disruptive. In summary, the available evidence is currently insufficient to determine the role of this variant in disease. Therefore, it has been classified as a Variant of Uncertain Significance.

NM_001330588.2(TPP2):c.1496A>G (p.His499Arg)

Gene: TPP2 (tripeptidyl peptidase 2; plus strand). Cytogenetic location: 13q33.1.
Variant type: single nucleotide variant.
Coding change: c.1496A>G on transcript NM_001330588.2 (MANE Select); coding-DNA position 1496, A replaced by G.
Protein change: p.His499Arg; replaces histidine 499 with arginine.
Molecular consequence: missense variant. On other transcripts: non-coding transcript variant (1).
Genome position (GRCh38, 1-based): chr13:102,635,689, A>G. VCF-style: chr13-102635689-A-G. GRCh37 (hg19) VCF-style: chr13-103288039-A-G.
Other names: c.1496A>G, p.His499Arg (NM_001367947.1, NM_003291.4); short protein forms H499R.
Identifiers: ClinVar variation 4711325 (VCV004711325.1).